The following is an entry in ClinVar:

ClinVar aggregate classification (germline): Uncertain significance (1 of 4 stars; one submission).

Conditions:
Alpha thalassemia-X-linked intellectual disability syndrome (ATRX). Also called: ALPHA-THALASSEMIA/IMPAIRED INTELLECTUAL DEVELOPMENT SYNDROME, X-LINKED; ALPHA-THALASSEMIA/MENTAL RETARDATION SYNDROME, X-LINKED; ATR, NONDELETION TYPE; X-linked alpha-thalassemia-mental retardation syndrome; ATR-X syndrome; Alpha thalassemia mental retardation syndrome, nondeletion type, X-linked. Identifiers: Orphanet 847, MedGen C1845055, MONDO:0010519, OMIM 301040.

Allele frequency attached by ClinVar (database versions not stated): gnomAD exomes below 0.00001; gnomAD 0.00001; TOPMed 0.00001.
gnomAD v4.1: 5 of 1,206,614 alleles (0.00041%); highest among the groups gnomAD compares: Non-Finnish European, 0.00056%; no homozygotes.

Submission:

Labcorp Genetics (formerly Invitae), Labcorp
Classification: Uncertain significance for Alpha thalassemia-X-linked intellectual disability syndrome. Last evaluated: 2022-10-24. Review status: criteria provided, single submitter. Criteria: Invitae Variant Classification Sherloc (09022015). Collection method: clinical testing. Allele origin: germline.
Comment: This sequence change replaces valine, which is neutral and non-polar, with leucine, which is neutral and non-polar, at codon 371 of the ATRX protein (p.Val371Leu). This variant is not present in population databases (gnomAD no frequency). This variant has not been reported in the literature in individuals affected with ATRX-related conditions. ClinVar contains an entry for this variant (Variation ID: 665139). Advanced modeling of protein sequence and biophysical properties (such as structural, functional, and spatial information, amino acid conservation, physicochemical variation, residue mobility, and thermodynamic stability) performed at Invitae indicates that this missense variant is not expected to disrupt ATRX protein function. In summary, the available evidence is currently insufficient to determine the role of this variant in disease. Therefore, it has been classified as a Variant of Uncertain Significance.

NM_000489.6(ATRX):c.1111G>C (p.Val371Leu)

Gene: ATRX (ATRX chromatin remodeler; minus strand). Cytogenetic location: Xq21.1.
Variant type: single nucleotide variant.
Coding change: c.1111G>C on transcript NM_000489.6 (MANE Select); coding-DNA position 1111, G replaced by C.
Protein change: p.Val371Leu; replaces valine 371 with leucine.
Molecular consequence: missense variant.
Genome position (GRCh38, 1-based): chrX:77,684,145, C>G on the plus strand (G>C on the coding strand, the complement: ATRX is on the minus strand). VCF-style: chrX-77684145-C-G. GRCh37 (hg19) VCF-style: chrX-76939637-C-G.
Other names: c.997G>C, p.Val333Leu (NM_138270.5); short protein forms V371L, V333L.
Identifiers: ClinVar variation 665139 (VCV000665139.7), dbSNP rs782128117, ClinGen allele CA413719435.